The following is an entry in ClinVar:

ClinVar aggregate classification (germline): Uncertain significance. Review status: criteria provided, multiple submitters, no conflicts (2 of 4 stars). 3 submissions from 3 submitters: Uncertain significance (3). Last evaluated 2024-11-20.

Conditions:
Familial thoracic aortic aneurysm and aortic dissection (TAAD). Also called: Thoracic aortic aneurysms and dissections. Identifiers: Orphanet 91387, MedGen C4707243, MONDO:0019625.
Aortic aneurysm, familial thoracic 7 (AAT7). Also called: AORTIC DISSECTION, FAMILIAL, WITH OR WITHOUT AORTIC ANEURYSM. Identifiers: MedGen C3151077, MONDO:0013418, OMIM 613780.

Allele frequency attached by ClinVar (database versions not stated): TOPMed 0.00001.
gnomAD v4.1: 35 of 1,614,042 alleles (0.0022%); highest among the groups gnomAD compares: Non-Finnish European, 0.0029%; no homozygotes.

Submissions (3):

Labcorp Genetics (formerly Invitae), Labcorp
Classification: Uncertain significance for Aortic aneurysm, familial thoracic 7. Last evaluated: 2024-11-20. Review status: criteria provided, single submitter. Criteria: Invitae Variant Classification Sherloc (09022015). Collection method: clinical testing. Allele origin: germline.
Comment: This sequence change replaces arginine, which is basic and polar, with glycine, which is neutral and non-polar, at codon 86 of the MYLK protein (p.Arg86Gly). This variant is not present in population databases (gnomAD no frequency). This variant has not been reported in the literature in individuals affected with MYLK-related conditions. ClinVar contains an entry for this variant (Variation ID: 903432). Invitae Evidence Modeling of protein sequence and biophysical properties (such as structural, functional, and spatial information, amino acid conservation, physicochemical variation, residue mobility, and thermodynamic stability) indicates that this missense variant is not expected to disrupt MYLK protein function with a negative predictive value of 95%. In summary, the available evidence is currently insufficient to determine the role of this variant in disease. Therefore, it has been classified as a Variant of Uncertain Significance.

Ambry Genetics
Classification: Uncertain significance for Familial thoracic aortic aneurysm and aortic dissection. Last evaluated: 2023-09-25. Review status: criteria provided, single submitter. Criteria: Ambry Variant Classification Scheme 2023. Collection method: clinical testing. Allele origin: germline.

Illumina Laboratory Services, Illumina
Classification: Uncertain significance for Aortic aneurysm, familial thoracic 7. Last evaluated: 2018-01-13. Review status: criteria provided, single submitter. Criteria: ICSL Variant Classification Criteria 13 December 2019. Collection method: clinical testing. Allele origin: germline.

NM_053025.4(MYLK):c.256C>G (p.Arg86Gly)

Gene: MYLK (myosin light chain kinase; minus strand). Cytogenetic location: 3q21.1.
Variant type: single nucleotide variant.
Coding change: c.256C>G on transcript NM_053025.4 (MANE Select); coding-DNA position 256, C replaced by G.
Protein change: p.Arg86Gly; replaces arginine 86 with glycine.
Molecular consequence: missense variant. On other transcripts: intron variant (1).
Genome position (GRCh38, 1-based): chr3:123,752,448, G>C on the plus strand (C>G on the coding strand, the complement: MYLK is on the minus strand). VCF-style: chr3-123752448-G-C. GRCh37 (hg19) VCF-style: chr3-123471295-G-C.
Other names: c.256C>G, p.Arg86Gly (NM_053026.4, NM_053027.4, NM_053028.4); c.-155-12447C>G (NM_001321309.2); short protein forms R86G.
Identifiers: ClinVar variation 903432 (VCV000903432.13), dbSNP rs368822172, ClinGen allele CA354244665.